The following is an entry in ClinVar:

NM_004370.6(COL12A1):c.8136A>C (p.Pro2712=)

Gene: COL12A1 (collagen type XII alpha 1 chain; minus strand). Cytogenetic location: 6q13.
Variant type: single nucleotide variant.
Coding change: c.8136A>C on transcript NM_004370.6 (MANE Select); coding-DNA position 8136, A replaced by C.
Protein change: p.Pro2712=; no amino-acid change (proline 2712 retained).
Molecular consequence: synonymous variant.
Genome position (GRCh38, 1-based): chr6:75,106,461, T>G on the plus strand (A>C on the coding strand, the complement: COL12A1 is on the minus strand). VCF-style: chr6-75106461-T-G. GRCh37 (hg19) VCF-style: chr6-75816177-T-G.
Other names: c.4644A>C, p.Pro1548= (NM_080645.3).
Identifiers: ClinVar variation 2042111 (VCV002042111.20), dbSNP rs757134644, ClinGen allele CA3892370.
Genomic context (GRCh38, chr6:75,106,461, plus strand): 5'-CAATTCTGTTTTACTTACCCTAGAGGGAATATCACAGCATCTGTCTCTACTGGTCCACAC[T>G]GGACTGCAGACAATGTCAAAACTCTGGATTTGGAACTGCAAACAACCAACAGCAACATCA-3'
Protein context (NP_004361.3, residues 2702-2722): QIQSFDIVCS[Pro2712=]VWTSRDRCCD

ClinVar aggregate classification (germline): Benign/Likely benign. Review status: criteria provided, multiple submitters, no conflicts (2 of 4 stars). 2 submissions from 2 submitters: Benign (1); Likely benign (1). Last evaluated 2025-03-25.

Conditions:
Ullrich congenital muscular dystrophy 2 (UCMD2). Identifiers: Orphanet 75840, MedGen C4225314, MONDO:0014654, OMIM 616470.
Bethlem myopathy 2 (BTHLM2). Identifiers: Orphanet 536516, Orphanet 610, MedGen C4225313, MONDO:0034022, OMIM 616471.

Allele frequency attached by ClinVar (database versions not stated): gnomAD 0.00003; gnomAD exomes 0.00004; TOPMed 0.00006; ExAC 0.00013.
gnomAD v4.1: 65 of 1,613,874 alleles (0.004%); highest among the groups gnomAD compares: Non-Finnish European, 0.0054%; no homozygotes.

Submissions (2):

Labcorp Genetics (formerly Invitae), Labcorp
Classification: Benign for Bethlem myopathy 2; Ullrich congenital muscular dystrophy 2. Last evaluated: 2025-03-25. Review status: criteria provided, single submitter. Criteria: Invitae Variant Classification Sherloc (09022015). Collection method: clinical testing. Allele origin: germline.

CeGaT Center for Human Genetics Tuebingen
Classification: Likely benign. Last evaluated: 2024-08-01. Review status: criteria provided, single submitter. Criteria: CeGaT Center For Human Genetics Tuebingen Variant Classification Criteria Version 2. Collection method: clinical testing. Allele origin: germline. Affected: yes. Observed: 1 variant allele.
Comment: COL12A1: BP4, BP7